The following is an entry in ClinVar:

NM_022114.4(PRDM16):c.49G>C (p.Val17Leu)

Gene: PRDM16 (PR/SET domain 16; plus strand). Cytogenetic location: 1p36.32.
Variant type: single nucleotide variant.
Coding change: c.49G>C on transcript NM_022114.4 (MANE Select); coding-DNA position 49, G replaced by C.
Protein change: p.Val17Leu; replaces valine 17 with leucine.
Molecular consequence: missense variant.
Genome position (GRCh38, 1-based): chr1:3,186,136, G>C. VCF-style: chr1-3186136-G-C. GRCh37 (hg19) VCF-style: chr1-3102700-G-C.
Other names: c.49G>C, p.Val17Leu (NM_199454.3); short protein forms V17L.
Identifiers: ClinVar variation 3687745 (VCV003687745.2).

ClinVar aggregate classification (germline): Uncertain significance (1 of 4 stars; one submission).

Conditions:
Left ventricular noncompaction 8 (LVNC8). Identifiers: Orphanet 154, Orphanet 54260, MedGen C3809288, MONDO:0014152, OMIM 615373.

Submission:

Labcorp Genetics (formerly Invitae), Labcorp
Classification: Uncertain significance for Left ventricular noncompaction 8. Last evaluated: 2024-07-02. Review status: criteria provided, single submitter. Criteria: Invitae Variant Classification Sherloc (09022015). Collection method: clinical testing. Allele origin: germline.
Comment: This sequence change replaces valine, which is neutral and non-polar, with leucine, which is neutral and non-polar, at codon 17 of the PRDM16 protein (p.Val17Leu). This variant is not present in population databases (gnomAD no frequency). This variant has not been reported in the literature in individuals affected with PRDM16-related conditions. Algorithms developed to predict the effect of missense changes on protein structure and function output the following: SIFT: "Not Available"; PolyPhen-2: "Benign"; Align-GVGD: "Not Available". The leucine amino acid residue is found in multiple mammalian species, which suggests that this missense change does not adversely affect protein function. In summary, the available evidence is currently insufficient to determine the role of this variant in disease. Therefore, it has been classified as a Variant of Uncertain Significance.